The following is an entry in ClinVar:

ClinVar aggregate classification (germline): Likely benign. Review status: criteria provided, multiple submitters, no conflicts (2 of 4 stars). 3 submissions from 3 submitters: Likely benign (3). Last evaluated 2026-09-01.

Allele frequency attached by ClinVar (database versions not stated): gnomAD 0.00001; TOPMed 0.00001; gnomAD exomes 0.00002; ExAC 0.00003.
gnomAD v4.1: 40 of 1,612,582 alleles (0.0025%); highest among the groups gnomAD compares: Non-Finnish European, 0.0032%; no homozygotes.

Submissions (3):

CeGaT Center for Human Genetics Tuebingen
Classification: Likely benign. Last evaluated: 2026-09-01. Review status: criteria provided, single submitter. Criteria: CeGaT Center For Human Genetics Tuebingen Variant Classification Criteria Version 2. Collection method: clinical testing. Allele origin: germline. Affected: yes. Observed: 1 variant allele.
Comment: ANKH: BP4, BP7

Labcorp Genetics (formerly Invitae), Labcorp
Classification: Likely benign. Last evaluated: 2024-06-17. Review status: criteria provided, single submitter. Criteria: Invitae Variant Classification Sherloc (09022015). Collection method: clinical testing. Allele origin: germline.

Blueprint Genetics
Classification: Likely benign. Last evaluated: 2024-03-04. Review status: criteria provided, single submitter. Criteria: ACMG Guidelines, 2015. Collection method: clinical testing. Allele origin: germline.

NM_054027.6(ANKH):c.426C>T (p.Asp142=)

Gene: ANKH (ANKH inorganic pyrophosphate transport regulator; minus strand). Cytogenetic location: 5p15.2.
Variant type: single nucleotide variant.
Coding change: c.426C>T on transcript NM_054027.6 (MANE Select); coding-DNA position 426, C replaced by T.
Protein change: p.Asp142=; no amino-acid change (aspartic acid 142 retained).
Molecular consequence: synonymous variant.
Genome position (GRCh38, 1-based): chr5:14,758,486, G>A on the plus strand (C>T on the coding strand, the complement: ANKH is on the minus strand). VCF-style: chr5-14758486-G-A. GRCh37 (hg19) VCF-style: chr5-14758595-G-A.
Identifiers: ClinVar variation 1125443 (VCV001125443.11), dbSNP rs775675401, ClinGen allele CA3209133.